The following is an entry in ClinVar:

ClinVar aggregate classification (germline): Uncertain significance (1 of 4 stars; one submission).

Conditions:
Holoprosencephaly 3 (HPE3). Identifiers: Orphanet 2162, MedGen C1840529, MONDO:0007733, OMIM 142945.

Allele frequency attached by ClinVar (database versions not stated): TOPMed 0.00001; gnomAD 0.00009.
gnomAD v4.1: 14 of 152,152 alleles (0.0092%); highest among the groups gnomAD compares: South Asian, 0.21%; 1 homozygote.

Submission:

Labcorp Genetics (formerly Invitae), Labcorp
Classification: Uncertain significance for Holoprosencephaly 3. Last evaluated: 2023-11-09. Review status: criteria provided, single submitter. Criteria: Invitae Variant Classification Sherloc (09022015). Collection method: clinical testing. Allele origin: germline.
Comment: This variant occurs in a non-coding region of the SHH gene. It does not change the encoded amino acid sequence of the SHH protein. This variant is not present in population databases (gnomAD no frequency). This variant has not been reported in the literature in individuals affected with SHH-related conditions. Experimental studies and prediction algorithms are not available or were not evaluated, and the functional significance of this variant is currently unknown. In summary, the available evidence is currently insufficient to determine the role of this variant in disease. Therefore, it has been classified as a Variant of Uncertain Significance.

NC_000007.14:g.156796061C>T

Genes: LMBR1 (limb development membrane protein 1; minus strand), SHH (sonic hedgehog signaling molecule; minus strand). Cytogenetic location: 7q36.3.
Variant type: single nucleotide variant.
Molecular consequence: intron variant (on NM_022458.4).
Genome position: GRCh38 VCF-style: chr7-156796061-C-T. GRCh37 (hg19) VCF-style: chr7-156588755-C-T.
Other names: c.360+328G>A (NM_001363412.2); c.144+328G>A (NM_001350954.2); c.423+328G>A (NM_001363410.2, NM_022458.4, NM_001363409.2 and 1 more transcripts); c.-112+328G>A (NM_001350958.2, NM_001350956.2, NM_001350955.2 and 1 more transcripts); c.54+328G>A (NM_001350957.2, NM_001363411.2).
Identifiers: ClinVar variation 2872127 (VCV002872127.3), dbSNP rs565514185, ClinGen allele CA169823965.